The following is an entry in ClinVar:

ClinVar aggregate classification (germline): Likely pathogenic (1 of 4 stars; one submission).

Conditions:
SHANK3-related disorder. Also called: SHANK3-related condition.

Submission:

PreventionGenetics, part of Exact Sciences
Classification: Likely pathogenic for SHANK3-related condition. Last evaluated: 2024-01-11. Review status: criteria provided, single submitter. Criteria: ACMG Guidelines, 2015. Collection method: clinical testing. Allele origin: germline.
Comment: The SHANK3 c.913C>G variant is predicted to result in the amino acid substitution p.Arg305Gly. To our knowledge, this variant has not been reported in the literature or in a large population database, indicating this variant is rare. This variant is interpreted as likely pathogenic.

NM_001372044.2(SHANK3):c.1138C>G (p.Arg380Gly)

Gene: SHANK3 (SH3 and multiple ankyrin repeat domains 3; plus strand).
Variant type: single nucleotide variant.
Coding change: c.1138C>G on transcript NM_001372044.2 (MANE Select); coding-DNA position 1138, C replaced by G.
Protein change: p.Arg380Gly; replaces arginine 380 with glycine.
Molecular consequence: missense variant.
Other names: c.913C>G, p.Arg305Gly (NM_033517.1); short protein forms R305G, R380G.
Identifiers: ClinVar variation 3030056 (VCV003030056.1), dbSNP rs2521416349.